The following is an entry in ClinVar:

ClinVar aggregate classification (germline): Uncertain significance (1 of 4 stars; one submission).

Allele frequency attached by ClinVar (database versions not stated): gnomAD exomes below 0.00001.
gnomAD v4.1: 1 of 1,614,038 alleles (0.000062%); highest among the groups gnomAD compares: Admixed American, 0.0017%; no homozygotes.

Submission:

Labcorp Genetics (formerly Invitae), Labcorp
Classification: Uncertain significance. Last evaluated: 2024-10-24. Review status: criteria provided, single submitter. Criteria: Invitae Variant Classification Sherloc (09022015). Collection method: clinical testing. Allele origin: germline.
Comment: This sequence change replaces arginine, which is basic and polar, with lysine, which is basic and polar, at codon 30 of the TRMT10C protein (p.Arg30Lys). This variant is not present in population databases (gnomAD no frequency). This variant has not been reported in the literature in individuals affected with TRMT10C-related conditions. ClinVar contains an entry for this variant (Variation ID: 2094679). An algorithm developed to predict the effect of missense changes on protein structure and function outputs the following: PolyPhen-2: "Benign". The lysine amino acid residue is found in multiple mammalian species, which suggests that this missense change does not adversely affect protein function. In summary, the available evidence is currently insufficient to determine the role of this variant in disease. Therefore, it has been classified as a Variant of Uncertain Significance.

NM_017819.4(TRMT10C):c.89G>A (p.Arg30Lys)

Gene: TRMT10C (tRNA methyltransferase 10C, mitochondrial RNase P subunit; plus strand). Cytogenetic location: 3q12.3.
Variant type: single nucleotide variant.
Coding change: c.89G>A on transcript NM_017819.4 (MANE Select); coding-DNA position 89, G replaced by A.
Protein change: p.Arg30Lys; replaces arginine 30 with lysine.
Molecular consequence: missense variant.
Genome position (GRCh38, 1-based): chr3:101,564,870, G>A. VCF-style: chr3-101564870-G-A. GRCh37 (hg19) VCF-style: chr3-101283714-G-A.
Other names: short protein forms R30K.
Identifiers: ClinVar variation 2094679 (VCV002094679.4), dbSNP rs1252863831, ClinGen allele CA353861338.